The following is an entry in ClinVar:

ClinVar aggregate classification (germline): Benign. Review status: criteria provided, multiple submitters, no conflicts (2 of 4 stars). 3 submissions from 3 submitters: Benign (2). 1 of the submissions does not count toward it. Last evaluated 2018-07-11.

Conditions:
HP-related disorder. Also called: HP-related condition.

Allele frequency attached by ClinVar (database versions not stated): gnomAD exomes 0.00155 and 0.00200; ExAC 0.00206; 1000 Genomes Project 0.00300; 1000 Genomes Project 30x 0.00328; gnomAD 0.00549 and 0.00588; ESP Exome Variant Server 0.00575; TOPMed 0.00628.
gnomAD v4.1: 3,223 of 1,614,162 alleles (0.2%); highest among the groups gnomAD compares: African/African-American, 1.6%; 28 homozygotes.

Submissions (3):

Labcorp Genetics (formerly Invitae), Labcorp
Classification: Benign. Last evaluated: 2018-07-11. Review status: criteria provided, single submitter. Criteria: Invitae Variant Classification Sherloc (09022015). Collection method: clinical testing. Allele origin: germline.

Breakthrough Genomics
Classification: Benign. Review status: criteria provided, single submitter. Criteria: ACMG Guidelines, 2015. Collection method: not provided. Allele origin: germline. Inheritance: Unknown mechanism. Affected: yes.

PreventionGenetics, part of Exact Sciences
Classification: Benign for HP-related condition. Last evaluated: 2019-10-31. Review status: no assertion criteria provided. Collection method: clinical testing. Allele origin: germline. Not counted in ClinVar's aggregate classification.
Comment: This variant is classified as benign based on ACMG/AMP sequence variant interpretation guidelines (Richards et al. 2015 PMID: 25741868, with internal and published modifications).

NM_005143.5(HP):c.1086C>T (p.His362=)

Gene: HP (haptoglobin; plus strand). Cytogenetic location: 16q22.2.
Variant type: single nucleotide variant.
Coding change: c.1086C>T on transcript NM_005143.5 (MANE Select); coding-DNA position 1086, C replaced by T.
Protein change: p.His362=; no amino-acid change (histidine 362 retained).
Molecular consequence: synonymous variant.
Genome position (GRCh38, 1-based): chr16:72,060,755, C>T. VCF-style: chr16-72060755-C-T. GRCh37 (hg19) VCF-style: chr16-72094654-C-T.
Other names: c.909C>T, p.His303= (NM_001126102.3, NM_001318138.2).
Identifiers: ClinVar variation 768787 (VCV000768787.6), dbSNP rs5477, ClinGen allele CA8159264.